The following is an entry in ClinVar:

ClinVar aggregate classification (germline): Uncertain significance. Review status: criteria provided, multiple submitters, no conflicts (2 of 4 stars). 2 submissions from 2 submitters: Uncertain significance (2). Last evaluated 2025-06-03.

Conditions:
Cardiovascular phenotype. Identifiers: MedGen CN230736.
DK1-congenital disorder of glycosylation. Also called: DK1-CDG; CONGENITAL DISORDER OF GLYCOSYLATION, TYPE Im; CDG Im; DK1 DEFICIENCY; DOLICHOL KINASE DEFICIENCY; DOLK-congenital disorder of glycosylation. Identifiers: Orphanet 91131, MedGen C1835849, MONDO:0012556, OMIM 610768.

Submissions (2):

Labcorp Genetics (formerly Invitae), Labcorp
Classification: Uncertain significance for DK1-congenital disorder of glycosylation. Last evaluated: 2025-06-03. Review status: criteria provided, single submitter. Criteria: Invitae Variant Classification Sherloc (09022015). Collection method: clinical testing. Allele origin: germline.
Comment: This sequence change replaces alanine, which is neutral and non-polar, with threonine, which is neutral and polar, at codon 504 of the DOLK protein (p.Ala504Thr). This variant is not present in population databases (gnomAD no frequency). This variant has not been reported in the literature in individuals affected with DOLK-related conditions. ClinVar contains an entry for this variant (Variation ID: 1774202). Invitae Evidence Modeling of protein sequence and biophysical properties (such as structural, functional, and spatial information, amino acid conservation, physicochemical variation, residue mobility, and thermodynamic stability) indicates that this missense variant is not expected to disrupt DOLK protein function with a negative predictive value of 80%. In summary, the available evidence is currently insufficient to determine the role of this variant in disease. Therefore, it has been classified as a Variant of Uncertain Significance.

Ambry Genetics
Classification: Uncertain significance for Cardiovascular phenotype. Last evaluated: 2022-02-08. Review status: criteria provided, single submitter. Criteria: Ambry Variant Classification Scheme 2023. Collection method: clinical testing. Allele origin: germline.
Comment: The p.A504T variant (also known as c.1510G>A), located in coding exon 1 of the DOLK gene, results from a G to A substitution at nucleotide position 1510. The alanine at codon 504 is replaced by threonine, an amino acid with similar properties. This amino acid position is conserved. In addition, this alteration is predicted to be tolerated by in silico analysis. Since supporting evidence is limited at this time, the clinical significance of this alteration remains unclear.

NM_014908.4(DOLK):c.1510G>A (p.Ala504Thr)

Gene: DOLK (dolichol kinase; minus strand). Cytogenetic location: 9q34.11.
Variant type: single nucleotide variant.
Coding change: c.1510G>A on transcript NM_014908.4 (MANE Select); coding-DNA position 1510, G replaced by A.
Protein change: p.Ala504Thr; replaces alanine 504 with threonine.
Molecular consequence: missense variant.
Genome position (GRCh38, 1-based): chr9:128,945,794, C>T on the plus strand (G>A on the coding strand, the complement: DOLK is on the minus strand). VCF-style: chr9-128945794-C-T. GRCh37 (hg19) VCF-style: chr9-131708073-C-T.
Other names: short protein forms A504T.
Identifiers: ClinVar variation 1774202 (VCV001774202.3), dbSNP rs745888752, ClinGen allele CA375116042.